The following is an entry in ClinVar:

NM_152564.5(VPS13B):c.7078G>T (p.Glu2360Ter)

Gene: VPS13B (vacuolar protein sorting 13 homolog B; plus strand). Cytogenetic location: 8q22.2.
Variant type: single nucleotide variant.
Coding change: c.7078G>T on transcript NM_152564.5 (MANE Select); coding-DNA position 7078, G replaced by T.
Protein change: p.Glu2360Ter; replaces glutamic acid 2360 with a stop codon.
Molecular consequence: nonsense.
Genome position (GRCh38, 1-based): chr8:99,766,801, G>T. VCF-style: chr8-99766801-G-T. GRCh37 (hg19) VCF-style: chr8-100779029-G-T.
Other names: c.7153G>T, p.Glu2385Ter (NM_017890.5); short protein forms E2360*, E2385*.
Identifiers: ClinVar variation 68090 (VCV000068090.2), dbSNP rs180177368, ClinGen allele CA284800.

ClinVar aggregate classification (germline): Pathogenic (0 of 4 stars; one submission).

Submission:

SNPedia
Classification: Pathogenic. Review status: no assertion criteria provided. Collection method: not provided. Allele origin: germline.
ClinVar note: Converted during submission from pathogenic to Pathogenic.